The following is an entry in ClinVar:

ClinVar aggregate classification (germline): Uncertain significance (1 of 4 stars; one submission).

gnomAD v4.1: 2 of 1,600,282 alleles (0.00012%); highest among the groups gnomAD compares: Non-Finnish European, 0.00017%; no homozygotes.

Submission:

Labcorp Genetics (formerly Invitae), Labcorp
Classification: Uncertain significance. Last evaluated: 2025-10-07. Review status: criteria provided, single submitter. Criteria: Invitae Variant Classification Sherloc (09022015). Collection method: clinical testing. Allele origin: germline.
Comment: This sequence change falls in intron 12 of the FAT2 gene. It does not directly change the encoded amino acid sequence of the FAT2 protein. It affects a nucleotide within the consensus splice site. This variant is present in population databases (rs752696409, gnomAD 0.002%). This variant has not been reported in the literature in individuals affected with FAT2-related conditions. Variants that disrupt the consensus splice site are a relatively common cause of aberrant splicing (PMID: 17576681, 9536098). Algorithms developed to predict the effect of sequence changes on RNA splicing suggest that this variant is not likely to affect RNA splicing. In summary, the available evidence is currently insufficient to determine the role of this variant in disease. Therefore, it has been classified as a Variant of Uncertain Significance.

Literature cited by the submitters: PubMed 17576681; PubMed 9536098.

NM_001447.3(FAT2):c.9427+5G>T

Genes: FAT2 (FAT atypical cadherin 2; minus strand), SLC36A1 (solute carrier family 36 member 1; plus strand). Cytogenetic location: 5q33.1.
Variant type: single nucleotide variant.
Coding change: c.9427+5G>T on transcript NM_001447.3 (MANE Select); 5 bases into the intron after coding-DNA position 9427, G replaced by T.
Molecular consequence: intron variant.
Genome position (GRCh38, 1-based): chr5:151,534,404, C>A on the plus strand (G>T on the coding strand, the complement: FAT2 is on the minus strand). VCF-style: chr5-151534404-C-A. GRCh37 (hg19) VCF-style: chr5-150913965-C-A.
Identifiers: ClinVar variation 4726297 (VCV004726297.1).